The following is an entry in ClinVar:

ClinVar aggregate classification (germline): Uncertain significance. Review status: criteria provided, multiple submitters, no conflicts (2 of 4 stars). 3 submissions from 3 submitters: Uncertain significance (3). Last evaluated 2025-04-28.

Conditions:
Megalencephalic leukoencephalopathy with subcortical cysts. Also called: VAN DER KNAAP DISEASE. Identifiers: Orphanet 2478, MedGen C1858854, MONDO:0011391.

Allele frequency attached by ClinVar (database versions not stated): gnomAD exomes 0.00002.
gnomAD v4.1: 17 of 1,614,206 alleles (0.0011%); highest among the groups gnomAD compares: Non-Finnish European, 0.0014%; no homozygotes.

Submissions (3):

Labcorp Genetics (formerly Invitae), Labcorp
Classification: Uncertain significance. Last evaluated: 2025-04-28. Review status: criteria provided, single submitter. Criteria: Invitae Variant Classification Sherloc (09022015). Collection method: clinical testing. Allele origin: germline.
Comment: This sequence change replaces threonine, which is neutral and polar, with isoleucine, which is neutral and non-polar, at codon 85 of the HEPACAM protein (p.Thr85Ile). This variant is not present in population databases (gnomAD no frequency). This variant has not been reported in the literature in individuals affected with HEPACAM-related conditions. ClinVar contains an entry for this variant (Variation ID: 303336). Invitae Evidence Modeling of protein sequence and biophysical properties (such as structural, functional, and spatial information, amino acid conservation, physicochemical variation, residue mobility, and thermodynamic stability) indicates that this missense variant is not expected to disrupt HEPACAM protein function with a negative predictive value of 95%. In summary, the available evidence is currently insufficient to determine the role of this variant in disease. Therefore, it has been classified as a Variant of Uncertain Significance.

Blueprint Genetics
Classification: Uncertain significance. Last evaluated: 2023-07-25. Review status: criteria provided, single submitter. Criteria: ACMG Guidelines, 2015. Collection method: clinical testing. Allele origin: germline.

Illumina Laboratory Services, Illumina
Classification: Uncertain significance for Megalencephalic leukoencephalopathy with subcortical cysts. Last evaluated: 2018-01-13. Review status: criteria provided, single submitter. Criteria: ICSL Variant Classification Criteria 13 December 2019. Collection method: clinical testing. Allele origin: germline.

NM_152722.5(HEPACAM):c.254C>T (p.Thr85Ile)

Gene: HEPACAM (hepatic and glial cell adhesion molecule; minus strand). Cytogenetic location: 11q24.2.
Variant type: single nucleotide variant.
Coding change: c.254C>T on transcript NM_152722.5 (MANE Select); coding-DNA position 254, C replaced by T.
Protein change: p.Thr85Ile; replaces threonine 85 with isoleucine.
Molecular consequence: missense variant.
Genome position (GRCh38, 1-based): chr11:124,924,901, G>A on the plus strand (C>T on the coding strand, the complement: HEPACAM is on the minus strand). VCF-style: chr11-124924901-G-A. GRCh37 (hg19) VCF-style: chr11-124794797-G-A.
Other names: short protein forms T85I.
Identifiers: ClinVar variation 303336 (VCV000303336.10), dbSNP rs886047935, ClinGen allele CA10638217.
Genomic context (GRCh38, chr11:124,924,901, plus strand): 5'-CCATTTTCAAAGAGTCGGATACGGTCTCGATAGTCAGGCCGCAGGGTGCCGATGACCTCT[G>A]TGCCAATGGACTGCACCACGGTCACTGGCTTGTCCCGCTTCAGCTGCCACTTCACTACAG-3'
Protein context (NP_689935.2, residues 75-95): KPVTVVQSIG[Thr85Ile]EVIGTLRPDY